The following is an entry in ClinVar:

ClinVar aggregate classification (germline): Likely pathogenic (1 of 4 stars; one submission).

Submission:

Labcorp Genetics (formerly Invitae), Labcorp
Classification: Likely pathogenic. Last evaluated: 2023-05-15. Review status: criteria provided, single submitter. Criteria: Invitae Variant Classification Sherloc (09022015). Collection method: clinical testing. Allele origin: germline.
Comment: In summary, the currently available evidence indicates that the variant is pathogenic, but additional data are needed to prove that conclusively. Therefore, this variant has been classified as Likely Pathogenic. Algorithms developed to predict the effect of sequence changes on RNA splicing suggest that this variant may disrupt the consensus splice site. ClinVar contains an entry for this variant (Variation ID: 1379450). This variant has been observed in individual(s) with diffuse gastric cancer (Invitae). This variant is not present in population databases (gnomAD no frequency). This variant results in the deletion of part of exon 7 (c.1032_1062+41del) of the CTNNA1 gene. It is expected to disrupt RNA splicing. Variants that disrupt the donor or acceptor splice site typically lead to a loss of protein function (PMID: 16199547), and loss-of-function variants in CTNNA1 are known to be pathogenic (PMID: 32051609, 34425242).

Literature cited by the submitters: PubMed 16199547; PubMed 32051609; PubMed 34425242.

NM_001903.5(CTNNA1):c.1032_1062+41del

Gene: CTNNA1 (catenin alpha 1; plus strand). Cytogenetic location: 5q31.2.
Variant type: Deletion.
Coding change: c.1032_1062+41del on transcript NM_001903.5 (MANE Select); coding-DNA position 1032 through 41 bases into the intron after coding-DNA position 1062, 72 bases deleted.
Molecular consequence: splice donor variant.
Genome position (GRCh38, 1-based): chr5:138,827,688-138,827,759, 72 bases deleted. GRCh37 (hg19): chr5:138,163,377-138,163,448.
Other names: c.1032_1062+41del (NM_001323982.2, NM_001323984.2, NM_001290307.3 and 3 more transcripts); c.663_693+41del (NM_001290310.3); c.723_753+41del (NM_001290309.3).
Identifiers: ClinVar variation 1379450 (VCV001379450.6), dbSNP rs2149786031, ClinGen allele CA2573139018.